The following is an entry in ClinVar:

NM_000188.3(HK1):c.1370C>T (p.Thr457Met)

Gene: HK1 (hexokinase 1; plus strand). Cytogenetic location: 10q22.1.
Variant type: single nucleotide variant.
Coding change: c.1370C>T on transcript NM_000188.3 (MANE Select); coding-DNA position 1370, C replaced by T.
Protein change: p.Thr457Met; replaces threonine 457 with methionine.
Molecular consequence: missense variant.
Genome position (GRCh38, 1-based): chr10:69,382,591, C>T. VCF-style: chr10-69382591-C-T. GRCh37 (hg19) VCF-style: chr10-71142347-C-T.
Other names: c.1382C>T, p.Thr461Met (NM_001322364.2, NM_001358263.1, NM_033497.3 and 1 more transcripts); c.1475C>T, p.Thr492Met (NM_001322365.2); c.1286C>T, p.Thr429Met (NM_001322366.1); c.1274C>T, p.Thr425Met (NM_001322367.1); c.1367C>T, p.Thr456Met (NM_033496.3); c.1334C>T, p.Thr445Met (NM_033500.2); short protein forms T445M, T457M, T456M, T429M, T461M, T425M, T492M.
Identifiers: ClinVar variation 372693 (VCV000372693.54), dbSNP rs1057517928, ClinGen allele CA16042708.

ClinVar aggregate classification (germline): Pathogenic/Likely pathogenic. Review status: criteria provided, multiple submitters, no conflicts (2 of 4 stars). 12 submissions from 12 submitters: Pathogenic (6); Likely pathogenic (4). 2 of the submissions do not count toward it. Last evaluated 2026-03-24.

Conditions:
Retinitis pigmentosa 79 (RP79). Identifiers: MedGen C4479526, MONDO:0044320, OMIM 617460.
Hemolytic anemia due to hexokinase deficiency (CNSHA5). Also called: Non-spherocytic hemolytic anemia due to hexokinase deficiency; Hexokinase deficiency hemolytic anemia; ANEMIA, CONGENITAL, NONSPHEROCYTIC HEMOLYTIC, 5; HEMOLYTIC ANEMIA, NONSPHEROCYTIC, DUE TO HEXOKINASE DEFICIENCY. Identifiers: Orphanet 90031, MedGen C3150343, MONDO:0009340, OMIM 235700.
Charcot-Marie-Tooth disease type 4G. Also called: Neuropathy, hereditary motor and sensory, Russe type; CHARCOT-MARIE-TOOTH DISEASE, DEMYELINATING, TYPE 4G; CHARCOT-MARIE-TOOTH NEUROPATHY, TYPE 4G. Identifiers: Orphanet 99953, MedGen C1854449, MONDO:0011534, OMIM 605285.
Neurodevelopmental disorder with visual defects and brain anomalies. Identifiers: MedGen C5231404, MONDO:0032807, OMIM 618547.
Inborn genetic diseases. Identifiers: MedGen C0950123, MeSH D030342.

Submissions (12):

Institute of Human Genetics, University of Leipzig Medical Center
Classification: Likely pathogenic for Neurodevelopmental disorder with visual defects and brain anomalies. Last evaluated: 2026-03-24. Review status: criteria provided, single submitter. Criteria: ACMG Guidelines, 2015. Collection method: clinical testing. Allele origin: unknown. Inheritance: Autosomal dominant inheritance. Affected: yes.
Comment: Criteria applied:

Wendy Chung Laboratory, Boston Children's Hospital
Classification: Pathogenic for Neurodevelopmental disorder with visual defects and brain anomalies. Last evaluated: 2024-12-05. Review status: criteria provided, single submitter. Criteria: ACMG Guidelines, 2015. Collection method: clinical testing. Allele origin: de novo. Inheritance: Autosomal dominant inheritance. Affected: yes. Observed: 5 heterozygotes.
Comment: The c.1370C>T variant has been reported de novo in over 20 individuals with HK1-related NEDVIBA in the literature (PMID: 30778173, 31785789, 33057194, 33619735, 36639056, 34356170, 36212160, 36639056, this study) and in ClinVar (ClinVar ID = 372693) with affected status provided. The c.1370C>T variant is absent from population databases (gnomAD v4.1.0, TOPMed Freeze 10, All of Us). The c.1370C>T variant is located in exon 10 of this 18-exon gene and predicted to replace an evolutionarily conserved threonine amino acid with methionine at position 457 [p.(Thr457Met)] within the alpha helix domain of the encoded protein. At least one in silico prediction tool is in support of damaging effect for the p.(Thr457Met) variant; however, there are no functional studies to confirm or refute these predictions. Based on available evidence this apparently de novo heterozygous c.1370C>T:p.(Thr457Met) variant identified in HK1 in these individuals is classified as Pathogenic (PS2_Very Strong + PM2_Supp + PP3).

3billion
Classification: Pathogenic for Neurodevelopmental disorder with visual defects and brain anomalies. Last evaluated: 2024-02-15. Review status: criteria provided, single submitter. Criteria: ACMG Guidelines, 2015. Collection method: clinical testing. Allele origin: germline. Affected: yes.
Comment: The variant is not observed in the gnomAD v2.1.1 dataset. Predicted Consequence/Location: Missense changes are a common disease-causing mechanism. Same nucleotide change resulting in same amino acid change has been previously reported as pathogenic/likely pathogenic with strong evidence (ClinVar ID: VCV000372693 /PMID: 30778173). The variant has been previously reported as de novo in a similarly affected individual (PMID: 30778173). A different missense change at the same codon (p.Thr457Lys) has been reported to be associated with HK1-related disorder (ClinVar ID: VCV002506469). Therefore, this variant is classified as Pathogenic according to the recommendation of ACMG/AMP guideline.

Institute of Medical Genetics and Applied Genomics, University Hospital Tübingen
Classification: Pathogenic for Neurodevelopmental disorder with visual defects and brain anomalies. Last evaluated: 2022-12-20. Review status: criteria provided, single submitter. Criteria: ACMG Guidelines, 2015. Collection method: clinical testing. Allele origin: de novo. Inheritance: Autosomal dominant inheritance. Affected: yes.

Baylor Genetics
Classification: Pathogenic for Neurodevelopmental disorder with visual defects and brain anomalies. Last evaluated: 2021-01-15. Review status: criteria provided, single submitter. Criteria: ACMG Guidelines, 2015. Collection method: clinical testing. Allele origin: unknown.

CeGaT Center for Human Genetics Tuebingen
Classification: Pathogenic. Last evaluated: 2020-08-01. Review status: criteria provided, single submitter. Criteria: CeGaT Center For Human Genetics Tuebingen Variant Classification Criteria Version 2. Collection method: clinical testing. Allele origin: germline. Affected: yes. Observed: 2 variant alleles.

Ambry Genetics
Classification: Likely pathogenic for Inborn genetic diseases. Last evaluated: 2020-03-05. Review status: criteria provided, single submitter. Criteria: Ambry Variant Classification Scheme 2023. Collection method: clinical testing. Allele origin: germline.
Comment: The alteration results in an amino acid change:_x000D_ _x000D_ The c.1370C>T (p.T457M) alteration is located in coding exon 10 of the HK1 gene. This alteration results from a C to T substitution at nucleotide position 1370, causing the threonine (T) at amino acid position 457 to be replaced by a methionine (M). The alteration is not observed in population databases: _x000D_ _x000D_ Based on data from the Genome Aggregation Database (gnomAD), the HK1 c.1370C>T alteration was not observed, with coverage at this position. The alteratione has been observed in affected individuals: _x000D_ _x000D_ This alteration was described to occur de novo in three individuals from two families with neurodevelopmental abnormalities. Common features included developmental delay, brain MRI anomalies, and optic atrophy. Additional issues included seizures, tone abnormalities, failure to thrive, swallowing and feeding difficulties, hearing loss, and laryngotracheomalacia (Okur, 2019). The altered amino acid is conserved throughout evolution:_x000D_ _x000D_ The p.T457 amino acid is conserved in available vertebrate species. The alteration is predicted tolerated by in silico modeling:_x000D_ _x000D_ The p.T457M alteration is predicted to be tolerated by in silico analysis. Based on the available evidence, this alteration is classified as likely pathogenic.

Institute of Human Genetics Munich, TUM University Hospital
Classification: Pathogenic for Neurodevelopmental disorder with visual defects and brain anomalies. Last evaluated: 2020-02-06. Review status: criteria provided, single submitter. Criteria: Classification criteria August 2017. Collection method: clinical testing. Allele origin: de novo. Inheritance: Autosomal dominant inheritance. Affected: yes. Observed: 2 heterozygotes. Clinical features observed: Hypotonia (HP:0001252), Brain atrophy (HP:0012444), Global developmental delay (HP:0001263), Seizure (HP:0001250), Generalized myoclonic seizure (HP:0002123), Axial hypotonia (HP:0008936), Feeding difficulties in infancy (HP:0008872), Severe global developmental delay (HP:0011344).

Fulgent Genetics
Classification: Likely pathogenic for Hemolytic anemia due to hexokinase deficiency; Charcot-Marie-Tooth disease type 4G; Retinitis pigmentosa 79. Last evaluated: 2018-10-31. Review status: criteria provided, single submitter. Criteria: ACMG Guidelines, 2015. Collection method: clinical testing. Allele origin: unknown.

GeneDx
Classification: Likely pathogenic. Last evaluated: 2016-05-17. Review status: criteria provided, single submitter. Criteria: GeneDx Variant Classification (06012015). Collection method: clinical testing. Allele origin: germline. Affected: yes.
Comment: The T457M variant in the HK1 gene has not been reported previously as a pathogenic variant, nor as a benign variant, to our knowledge. The T457M variant was not observed in approximately 6500 individuals of European and African American ancestry in the NHLBI Exome Sequencing Project, indicating it is not a common benign variant in these populations. The T457M variant is a non-conservative amino acid substitution, which is likely to impact secondary protein structure as these residues differ in polarity, charge, size and/or other properties. This substitution occurs at a position that is conserved across species and in silico analysis predicts this variant is probably damaging to the protein structure/function. The T457M variant is a strong candidate for a pathogenic variant.

Department of Medical Genetics, JSS Medical College, Mysore
Classification: Pathogenic for Neurodevelopmental disorder with visual defects and brain anomalies. Last evaluated: 2024-09-24. Review status: no assertion criteria provided. Collection method: clinical testing. Allele origin: de novo. Inheritance: Autosomal dominant inheritance. Affected: yes. Observed: 1 heterozygote. Not counted in ClinVar's aggregate classification.
Comment: The in-silico prediction tools (Mutation Taster, SIFT, DANN) consistently predict the deleterious state of the variant to HK1 protein function. This variant is reported as one of the 6 reported variations (Wortmann, et al., 2024) for Neurodevelopmental Disorder with Visual defects and Brain Anomalies (NEDVIBA; MIM#618547). The phenotype of the affected individual is in concordance with the clinical findings of NEDVIBA. Hence, according to the ACMG/AMP guidelines and recommendation (Richards et al., 2015), the aforementioned variant is categorized as Pathogenic (criteria: PM2, PP1, PP3, PP4).

OMIM
Classification: Pathogenic for NEURODEVELOPMENTAL DISORDER WITH VISUAL DEFECTS AND BRAIN ANOMALIES. Last evaluated: 2019-08-22. Review status: no assertion criteria provided. Collection method: literature only. Allele origin: germline. Not counted in ClinVar's aggregate classification.

Literature cited by the submitters: PubMed 30778173 (cited by 3 submitters); PubMed 38617198 (cited by Department of Medical Genetics, JSS Medical College, Mysore).